The following is an entry in ClinVar:

ClinVar aggregate classification (germline): Uncertain significance. Review status: criteria provided, multiple submitters, no conflicts (2 of 4 stars). 2 submissions from 2 submitters: Uncertain significance (2). Last evaluated 2024-02-01.

Allele frequency attached by ClinVar (database versions not stated): TOPMed below 0.00001; ExAC 0.00001.
gnomAD v4.1: 13 of 1,614,214 alleles (0.00081%); highest among the groups gnomAD compares: East Asian, 0.0089%; no homozygotes.

Submissions (2):

CeGaT Center for Human Genetics Tuebingen
Classification: Uncertain significance. Last evaluated: 2024-02-01. Review status: criteria provided, single submitter. Criteria: CeGaT Center For Human Genetics Tuebingen Variant Classification Criteria Version 2. Collection method: clinical testing. Allele origin: germline. Affected: yes. Observed: 1 variant allele.
Comment: MCM3AP: PM2, BP4

Labcorp Genetics (formerly Invitae), Labcorp
Classification: Uncertain significance. Last evaluated: 2023-09-05. Review status: criteria provided, single submitter. Criteria: Invitae Variant Classification Sherloc (09022015). Collection method: clinical testing. Allele origin: germline.
Comment: In summary, the available evidence is currently insufficient to determine the role of this variant in disease. Therefore, it has been classified as a Variant of Uncertain Significance. An algorithm developed to predict the effect of missense changes on protein structure and function (PolyPhen-2) suggests that this variant¬¨‚Ä†is likely to be tolerated. This variant has not been reported in the literature in individuals affected with MCM3AP-related conditions. The frequency data for this variant in the population databases is considered unreliable, as metrics indicate poor data quality at this position in the gnomAD database. This sequence change replaces alanine, which is neutral and non-polar, with valine, which is neutral and non-polar, at codon 1495 of the MCM3AP protein (p.Ala1495Val).

NM_003906.5(MCM3AP):c.4484C>T (p.Ala1495Val)

Genes: MCM3AP (minichromosome maintenance complex component 3 associated protein; minus strand), MCM3AP-AS1 (MCM3AP antisense RNA 1; plus strand). Cytogenetic location: 21q22.3.
Variant type: single nucleotide variant.
Coding change: c.4484C>T on transcript NM_003906.5 (MANE Select); coding-DNA position 4484, C replaced by T.
Protein change: p.Ala1495Val; replaces alanine 1495 with valine.
Molecular consequence: missense variant.
Genome position (GRCh38, 1-based): chr21:46,246,693, G>A on the plus strand (C>T on the coding strand, the complement: MCM3AP is on the minus strand). VCF-style: chr21-46246693-G-A. GRCh37 (hg19) VCF-style: chr21-47666607-G-A.
Other names: short protein forms A1495V.
Identifiers: ClinVar variation 2972479 (VCV002972479.24), dbSNP rs754149005, ClinGen allele CA10076116.